The following is an entry in ClinVar:

NM_006514.4(SCN10A):c.982A>G (p.Thr328Ala)

Gene: SCN10A (sodium voltage-gated channel alpha subunit 10; minus strand). Cytogenetic location: 3p22.2.
Variant type: single nucleotide variant.
Coding change: c.982A>G on transcript NM_006514.4 (MANE Select); coding-DNA position 982, A replaced by G.
Protein change: p.Thr328Ala; replaces threonine 328 with alanine.
Molecular consequence: missense variant.
Genome position (GRCh38, 1-based): chr3:38,757,128, T>C on the plus strand (A>G on the coding strand, the complement: SCN10A is on the minus strand). VCF-style: chr3-38757128-T-C. GRCh37 (hg19) VCF-style: chr3-38798619-T-C.
Other names: c.982A>G, p.Thr328Ala (NM_001293306.2, NM_001293307.2); short protein forms T328A.
Identifiers: ClinVar variation 3438162 (VCV003438162.2).

ClinVar aggregate classification (germline): Uncertain significance. Review status: criteria provided, multiple submitters, no conflicts (2 of 4 stars). 2 submissions from 2 submitters: Uncertain significance (2). Last evaluated 2025-11-05.

Conditions:
Cardiovascular phenotype. Identifiers: MedGen CN230736.
Brugada syndrome. Also called: Sudden Unexplained Death Syndrome; Sudden Unexplained Nocturnal Death Syndrome (SUNDS); Sudden unexpected nocturnal death syndrome; Sudden unexplained nocturnal death syndrome. Identifiers: Orphanet 130, MedGen C1142166, MONDO:0015263.

gnomAD v4.1: 1 of 1,611,922 alleles (0.000062%); highest among the groups gnomAD compares: Non-Finnish European, 0.000085%; no homozygotes.

Submissions (2):

Labcorp Genetics (formerly Invitae), Labcorp
Classification: Uncertain significance for Brugada syndrome. Last evaluated: 2025-11-05. Review status: criteria provided, single submitter. Criteria: Invitae Variant Classification Sherloc (09022015). Collection method: clinical testing. Allele origin: germline.
Comment: This sequence change replaces threonine, which is neutral and polar, with alanine, which is neutral and non-polar, at codon 328 of the SCN10A protein (p.Thr328Ala). This variant is not present in population databases (gnomAD no frequency). This variant has not been reported in the literature in individuals affected with SCN10A-related conditions. ClinVar contains an entry for this variant (Variation ID: 3438162). Invitae Evidence Modeling of protein sequence and biophysical properties (such as structural, functional, and spatial information, amino acid conservation, physicochemical variation, residue mobility, and thermodynamic stability) indicates that this missense variant is not expected to disrupt SCN10A protein function with a negative predictive value of 95%. In summary, the available evidence is currently insufficient to determine the role of this variant in disease. Therefore, it has been classified as a Variant of Uncertain Significance.

Ambry Genetics
Classification: Uncertain significance for Cardiovascular phenotype. Last evaluated: 2024-12-05. Review status: criteria provided, single submitter. Criteria: Ambry Variant Classification Scheme 2023. Collection method: clinical testing. Allele origin: germline.
Comment: The p.T328A variant (also known as c.982A>G), located in coding exon 8 of the SCN10A gene, results from an A to G substitution at nucleotide position 982. The threonine at codon 328 is replaced by alanine, an amino acid with similar properties. This amino acid position is conserved. In addition, the in silico prediction for this alteration is inconclusive. Based on the available evidence, the clinical significance of this variant remains unclear.